The following is an entry in ClinVar:

ClinVar aggregate classification (germline): Uncertain significance. Review status: criteria provided, multiple submitters, no conflicts (2 of 4 stars). 2 submissions from 2 submitters: Uncertain significance (2). Last evaluated 2021-01-02.

Conditions:
Exostoses, multiple, type 2 (EXT2). Also called: Hereditary Multiple Osteochondromatosis, Type II; EXOSTOSES, MULTIPLE, TYPE II. Identifiers: Orphanet 321, MedGen C1851413, MONDO:0007586, OMIM 133701.

Allele frequency attached by ClinVar (database versions not stated): gnomAD below 0.00001 and 0.00001; gnomAD exomes below 0.00001.
gnomAD v4.1: 4 of 1,614,118 alleles (0.00025%); highest among the groups gnomAD compares: South Asian, 0.0011%; no homozygotes.

Submissions (2):

Labcorp Genetics (formerly Invitae), Labcorp
Classification: Uncertain significance for Exostoses, multiple, type 2. Last evaluated: 2021-01-02. Review status: criteria provided, single submitter. Criteria: Invitae Variant Classification Sherloc (09022015). Collection method: clinical testing. Allele origin: germline.
Comment: Algorithms developed to predict the effect of missense changes on protein structure and function (SIFT, PolyPhen-2, Align-GVGD) all suggest that this variant is likely to be tolerated, but these predictions have not been confirmed by published functional studies and their clinical significance is uncertain. This variant has not been reported in the literature in individuals with EXT2-related conditions. ClinVar contains an entry for this variant (Variation ID: 304574). This variant is not present in population databases (ExAC no frequency). This sequence change replaces valine with isoleucine at codon 69 of the EXT2 protein (p.Val69Ile). The valine residue is moderately conserved and there is a small physicochemical difference between valine and isoleucine. In summary, the available evidence is currently insufficient to determine the role of this variant in disease. Therefore, it has been classified as a Variant of Uncertain Significance.

Illumina Laboratory Services, Illumina
Classification: Uncertain significance for Exostoses, multiple, type 2. Last evaluated: 2018-01-13. Review status: criteria provided, single submitter. Criteria: ICSL Variant Classification Criteria 13 December 2019. Collection method: clinical testing. Allele origin: germline.

NM_207122.2(EXT2):c.205G>A (p.Val69Ile)

Gene: EXT2 (exostosin glycosyltransferase 2; plus strand). Cytogenetic location: 11p11.2.
Variant type: single nucleotide variant.
Coding change: c.205G>A on transcript NM_207122.2 (MANE Select); coding-DNA position 205, G replaced by A.
Protein change: p.Val69Ile; replaces valine 69 with isoleucine.
Molecular consequence: missense variant.
Genome position (GRCh38, 1-based): chr11:44,107,917, G>A. VCF-style: chr11-44107917-G-A. GRCh37 (hg19) VCF-style: chr11-44129467-G-A.
Other names: c.304G>A, p.Val102Ile (NM_000401.3); c.205G>A, p.Val69Ile (NM_001178083.3, NM_001389628.1, NM_001389630.1); short protein forms V102I, V69I.
Identifiers: ClinVar variation 304574 (VCV000304574.14), dbSNP rs200809171, ClinGen allele CA10634840.